The following is an entry in ClinVar:

NM_024426.6(WT1):c.584C>T (p.Ser195Phe)

Genes: WT1 (WT1 transcription factor; minus strand), LOC107982234 (WT1/WT1-AS bi-directional promoter region; plus strand). Cytogenetic location: 11p13.
Variant type: single nucleotide variant.
Coding change: c.584C>T on transcript NM_024426.6 (MANE Select); coding-DNA position 584, C replaced by T.
Protein change: p.Ser195Phe; replaces serine 195 with phenylalanine.
Molecular consequence: missense variant. On other transcripts: non-coding transcript variant (1).
Genome position (GRCh38, 1-based): chr11:32,434,777, G>A on the plus strand (C>T on the coding strand, the complement: WT1 is on the minus strand). VCF-style: chr11-32434777-G-A. GRCh37 (hg19) VCF-style: chr11-32456323-G-A.
Other names: c.584C>T, p.Ser195Phe (NM_000378.6, NM_024424.5); c.569C>T (NM_024426.4); short protein forms S195F.
Identifiers: ClinVar variation 1389518 (VCV001389518.7), dbSNP rs778194188, ClinGen allele CA379964589.

ClinVar aggregate classification (germline): Uncertain significance. Review status: criteria provided, multiple submitters, no conflicts (2 of 4 stars). 2 submissions from 2 submitters: Uncertain significance (2). Last evaluated 2025-11-11.

Conditions:
Wilms tumor 1 (WT1). Also called: Wilms tumor, somatic. Identifiers: Orphanet 654, MedGen CN033288, MONDO:0008679, OMIM 194070.
11p partial monosomy syndrome (WAGR). Also called: WAGR Complex; WAGR Spectrum Disorder; CHROMOSOME 11p13 DELETION SYNDROME; WAGR syndrome. Identifiers: Orphanet 893, MedGen C0206115, MONDO:0008681, OMIM 194072.
Drash syndrome (DDS). Also called: NEPHROPATHY, WILMS TUMOR, AND GENITAL ANOMALIES; WILMS TUMOR AND PSEUDO- OR TRUE HERMAPHRODITISM. Identifiers: Orphanet 220, MedGen C0950121, MONDO:0008682, OMIM 194080.
Frasier syndrome. Identifiers: Orphanet 347, MedGen C0950122, MeSH D052159, MONDO:0007635, OMIM 136680.
Inborn genetic diseases. Identifiers: MedGen C0950123, MeSH D030342.

gnomAD v4.1: 1 of 1,612,698 alleles (0.000062%); highest among the groups gnomAD compares: South Asian, 0.0011%; no homozygotes.

Submissions (2):

Ambry Genetics
Classification: Uncertain significance for Inborn genetic diseases. Last evaluated: 2025-11-11. Review status: criteria provided, single submitter. Criteria: Ambry Variant Classification Scheme 2023. Collection method: clinical testing. Allele origin: germline.
Comment: The p.S190F variant (also known as c.569C>T), located in coding exon 1 of the WT1 gene, results from a C to T substitution at nucleotide position 569. The serine at codon 190 is replaced by phenylalanine, an amino acid with highly dissimilar properties. This amino acid position is conserved. In addition, the in silico prediction for this alteration is inconclusive. Based on the available evidence, the clinical significance of this variant remains unclear.

Labcorp Genetics (formerly Invitae), Labcorp
Classification: Uncertain significance for Wilms tumor 1; Drash syndrome; 11p partial monosomy syndrome; Frasier syndrome. Last evaluated: 2021-10-27. Review status: criteria provided, single submitter. Criteria: Invitae Variant Classification Sherloc (09022015). Collection method: clinical testing. Allele origin: germline.
Comment: In summary, the available evidence is currently insufficient to determine the role of this variant in disease. Therefore, it has been classified as a Variant of Uncertain Significance. Algorithms developed to predict the effect of missense changes on protein structure and function (SIFT, PolyPhen-2, Align-GVGD) all suggest that this variant is likely to be disruptive. This variant has not been reported in the literature in individuals affected with WT1-related conditions. This variant is not present in population databases (gnomAD no frequency). This sequence change replaces serine, a(n) neutral and polar amino acid, with phenylalanine, a(n) neutral and non-polar amino acid, at codon 190 of the WT1 protein (p.Ser190Phe).